The following is an entry in ClinVar:

ClinVar aggregate classification (germline): Benign/Likely benign. Review status: criteria provided, multiple submitters, no conflicts (2 of 4 stars). 3 submissions from 3 submitters: Benign (1); Likely benign (2). Last evaluated 2025-12-28.

Conditions:
Birt-Hogg-Dube syndrome 1 (BHD1). Also called: FIBROFOLLICULOMAS WITH TRICHODISCOMAS AND ACROCHORDONS. Identifiers: Orphanet 122, MedGen CN375946, MONDO:0800445, OMIM 135150.
Hereditary cancer-predisposing syndrome. Also called: Hereditary neoplastic syndrome; Neoplastic Syndromes, Hereditary; Tumor predisposition; Hereditary Cancer Syndrome. Identifiers: Orphanet 140162, MedGen C0027672, MeSH D009386, MONDO:0015356.
Birt-Hogg-Dube syndrome. Also called: Birt Hogg Dubé syndrome. Identifiers: Orphanet 122, MedGen C0346010, MONDO:0800444.

Allele frequency attached by ClinVar (database versions not stated): gnomAD exomes below 0.00001.
gnomAD v4.1: 2 of 1,614,180 alleles (0.00012%); highest among the groups gnomAD compares: Non-Finnish European, 0.00017%; no homozygotes.

Submissions (3):

Labcorp Genetics (formerly Invitae), Labcorp
Classification: Likely benign for Birt-Hogg-Dube syndrome. Last evaluated: 2025-12-28. Review status: criteria provided, single submitter. Criteria: Invitae Variant Classification Sherloc (09022015). Collection method: clinical testing. Allele origin: germline.

Myriad Genetics, Inc.
Classification: Benign for Birt-Hogg-Dube syndrome 1. Last evaluated: 2024-10-25. Review status: criteria provided, single submitter. Criteria: Myriad Autosomal Dominant, Autosomal Recessive and X-Linked Classification Criteria (2023). Collection method: clinical testing. Allele origin: unknown.
Comment: This variant is considered benign. This variant is a silent/synonymous amino acid change and it is not expected to impact splicing.

Ambry Genetics
Classification: Likely benign for Hereditary cancer-predisposing syndrome. Last evaluated: 2024-09-15. Review status: criteria provided, single submitter. Criteria: Ambry Variant Classification Scheme 2023. Collection method: clinical testing. Allele origin: germline.

NM_144997.7(FLCN):c.1470G>A (p.Leu490=)

Gene: FLCN (folliculin; minus strand). Cytogenetic location: 17p11.2.
Variant type: single nucleotide variant.
Coding change: c.1470G>A on transcript NM_144997.7 (MANE Select); coding-DNA position 1470, G replaced by A.
Protein change: p.Leu490=; no amino-acid change (leucine 490 retained).
Molecular consequence: synonymous variant.
Genome position (GRCh38, 1-based): chr17:17,215,053, C>T on the plus strand (G>A on the coding strand, the complement: FLCN is on the minus strand). VCF-style: chr17-17215053-C-T. GRCh37 (hg19) VCF-style: chr17-17118367-C-T.
Other names: c.1470G>A (LRG_325t1); c.1524G>A, p.Leu508= (NM_001353229.2); c.1470G>A, p.Leu490= (NM_001353230.2, NM_001353231.2).
Identifiers: ClinVar variation 460597 (VCV000460597.7), dbSNP rs1306737502, ClinGen allele CA498421058.